The following is an entry in ClinVar:

ClinVar aggregate classification (germline): Uncertain significance (1 of 4 stars; one submission).

Conditions:
Hypertrophic cardiomyopathy 14. Identifiers: MedGen C2750467, MONDO:0013197, OMIM 613251.

Submission:

Labcorp Genetics (formerly Invitae), Labcorp
Classification: Uncertain significance for Hypertrophic cardiomyopathy 14. Last evaluated: 2022-04-06. Review status: criteria provided, single submitter. Criteria: Invitae Variant Classification Sherloc (09022015). Collection method: clinical testing. Allele origin: germline.
Comment: In summary, the available evidence is currently insufficient to determine the role of this variant in disease. Therefore, it has been classified as a Variant of Uncertain Significance. Algorithms developed to predict the effect of missense changes on protein structure and function are either unavailable or do not agree on the potential impact of this missense change (SIFT: "Deleterious"; PolyPhen-2: "Probably Damaging"; Align-GVGD: "Class C0"). This variant has not been reported in the literature in individuals affected with MYH6-related conditions. This variant is not present in population databases (gnomAD no frequency). This sequence change replaces leucine, which is neutral and non-polar, with proline, which is neutral and non-polar, at codon 396 of the MYH6 protein (p.Leu396Pro).

NM_002471.4(MYH6):c.1187T>C (p.Leu396Pro)

Gene: MYH6 (myosin heavy chain 6; minus strand). Cytogenetic location: 14q11.2.
Variant type: single nucleotide variant.
Coding change: c.1187T>C on transcript NM_002471.4 (MANE Select); coding-DNA position 1187, T replaced by C.
Protein change: p.Leu396Pro; replaces leucine 396 with proline.
Molecular consequence: missense variant.
Genome position (GRCh38, 1-based): chr14:23,400,932, A>G on the plus strand (T>C on the coding strand, the complement: MYH6 is on the minus strand). VCF-style: chr14-23400932-A-G. GRCh37 (hg19) VCF-style: chr14-23870141-A-G.
Other names: short protein forms L396P.
Identifiers: ClinVar variation 2100937 (VCV002100937.4), dbSNP rs2502193665, ClinGen allele CA389024435.